The following is an entry in ClinVar:

ClinVar aggregate classification (germline): Uncertain significance (1 of 4 stars; one submission).

Submission:

Labcorp Genetics (formerly Invitae), Labcorp
Classification: Uncertain significance. Last evaluated: 2024-02-01. Review status: criteria provided, single submitter. Criteria: Invitae Variant Classification Sherloc (09022015). Collection method: clinical testing. Allele origin: germline.
Comment: This sequence change replaces cysteine, which is neutral and slightly polar, with tryptophan, which is neutral and slightly polar, at codon 448 of the NAA15 protein (p.Cys448Trp). This variant is not present in population databases (gnomAD no frequency). This variant has not been reported in the literature in individuals affected with NAA15-related conditions. An algorithm developed to predict the effect of missense changes on protein structure and function (PolyPhen-2) suggests that this variant is likely to be disruptive. In summary, the available evidence is currently insufficient to determine the role of this variant in disease. Therefore, it has been classified as a Variant of Uncertain Significance.

NM_057175.5(NAA15):c.1344T>G (p.Cys448Trp)

Gene: NAA15 (N-alpha-acetyltransferase 15, NatA auxiliary subunit; plus strand). Cytogenetic location: 4q31.1.
Variant type: single nucleotide variant.
Coding change: c.1344T>G on transcript NM_057175.5 (MANE Select); coding-DNA position 1344, T replaced by G.
Protein change: p.Cys448Trp; replaces cysteine 448 with tryptophan.
Molecular consequence: missense variant.
Genome position (GRCh38, 1-based): chr4:139,359,829, T>G. VCF-style: chr4-139359829-T-G. GRCh37 (hg19) VCF-style: chr4-140280983-T-G.
Other names: c.1344T>G, p.Cys448Trp (NM_001410842.1); short protein forms C448W.
Identifiers: ClinVar variation 3668712 (VCV003668712.2).
Genomic context (GRCh38, chr4:139,359,829, plus strand): 5'-AAGGTGGATGGATGAGGCCCAGGCCTTGGACACAGCAGACAGATTTATCAACTCCAAATG[T>G]GCAAAATACATGCTAAAAGCCAACCTGATTAAAGAAGCTGAAGAAATGTGCTCAAAGTTT-3'
Protein context (NP_476516.1, residues 438-458): DTADRFINSK[Cys448Trp]AKYMLKANLI